The following is an entry in ClinVar:

ClinVar aggregate classification (germline): Pathogenic. Review status: criteria provided, multiple submitters, no conflicts (2 of 4 stars). 5 submissions from 5 submitters: Pathogenic (5). Last evaluated 2025-02-19.

Conditions:
Charlevoix-Saguenay spastic ataxia (SACS). Also called: SPASTIC ATAXIA 6, AUTOSOMAL RECESSIVE; AUTOSOMAL RECESSIVE SPASTIC ATAXIA OF CHARLEVOIX-SAGUENAY; Spastic ataxia of Charlevoix-Saguenay. Identifiers: Orphanet 98, MedGen C1849140, MONDO:0010041, OMIM 270550.

Submissions (5):

Myriad Genetics, Inc.
Classification: Pathogenic for Charlevoix-Saguenay spastic ataxia. Last evaluated: 2025-02-19. Review status: criteria provided, single submitter. Criteria: Myriad Autosomal Dominant, Autosomal Recessive and X-Linked Classification Criteria (2023). Collection method: clinical testing. Allele origin: unknown.
Comment: NM_014363.4(SACS):c.10813A>T(K3605*) is a nonsense variant classified as pathogenic in the context of autosomal recessive spastic ataxia of Charlevoix-Saguenay. K3605* has been observed in a case with relevant disease (PMID: 35731353). Relevant functional assessments of this variant are not available in the literature. K3605* has not been observed in referenced population frequency databases. In summary, NM_014363.4(SACS):c.10813A>T(K3605*) is a nonsense variant in a gene where loss of function is a known mechanism of disease, is predicted to disrupt protein function, and has been observed more frequently in cases with the relevant disease than in healthy populations. Please note: this variant was assessed in the context of healthy population screening.

Kariminejad - Najmabadi Pathology & Genetics Center
Classification: Pathogenic for Charlevoix-Saguenay spastic ataxia. Last evaluated: 2023-12-20. Review status: criteria provided, single submitter. Criteria: ACMG Guidelines, 2015. Collection method: clinical testing. Allele origin: germline. Inheritance: Autosomal recessive inheritance. Affected: yes.
Comment: PVS1_st,PM2_m,PP5_sp

Genome-Nilou Lab
Classification: Pathogenic for Charlevoix-Saguenay spastic ataxia. Last evaluated: 2021-09-05. Review status: criteria provided, single submitter. Criteria: ACMG Guidelines, 2015. Collection method: clinical testing. Allele origin: germline. Affected: no.

Medical Genetics Laboratory, Tarbiat Modares University
Classification: Pathogenic for Charlevoix-Saguenay spastic ataxia. Last evaluated: 2021-05-03. Review status: criteria provided, single submitter. Criteria: ACMG Guidelines, 2015. Collection method: clinical testing. Allele origin: inherited. Inheritance: Autosomal recessive inheritance. Affected: yes. Observed: 1 variant allele, 1 homozygote.

Genomic Research Center, Shahid Beheshti University of Medical Sciences
Classification: Pathogenic for Charlevoix-Saguenay spastic ataxia. Last evaluated: 2017-12-03. Review status: criteria provided, single submitter. Criteria: ACMG Guidelines, 2015. Collection method: clinical testing. Allele origin: inherited. Affected: yes.

Literature cited by the submitters: PubMed 35731353 (cited by Myriad Genetics, Inc.).

NM_014363.6(SACS):c.10813A>T (p.Lys3605Ter)

Gene: SACS (sacsin molecular chaperone; minus strand). Cytogenetic location: 13q12.12.
Variant type: single nucleotide variant.
Coding change: c.10813A>T on transcript NM_014363.6 (MANE Select); coding-DNA position 10813, A replaced by T.
Protein change: p.Lys3605Ter; replaces lysine 3605 with a stop codon.
Molecular consequence: nonsense.
Genome position (GRCh38, 1-based): chr13:23,333,063, T>A on the plus strand (A>T on the coding strand, the complement: SACS is on the minus strand). VCF-style: chr13-23333063-T-A. GRCh37 (hg19) VCF-style: chr13-23907202-T-A.
Other names: c.10372A>T, p.Lys3458Ter (NM_001278055.2); short protein forms K3605*, K3458*.
Identifiers: ClinVar variation 522647 (VCV000522647.10), dbSNP rs1360298758, ClinGen allele CA387511366.
Genomic context (GRCh38, chr13:23,333,063, plus strand): 5'-CTGTATTTTGCAATGTTTCTTTGGACCAGTTTTCTGTATTAGCCCTCACACTGATTTCCT[T>A]AGCAAACTGTAACAACTGCTGCTGAGAAAGTATGTATTTTAGTCCAATATTTCTTAAGAA-3'